The following is an entry in ClinVar:

NM_022089.4(ATP13A2):c.1050T>C (p.Ile350=)

Gene: ATP13A2 (ATPase cation transporting 13A2; minus strand). Cytogenetic location: 1p36.13.
Variant type: single nucleotide variant.
Coding change: c.1050T>C on transcript NM_022089.4 (MANE Select); coding-DNA position 1050, T replaced by C.
Protein change: p.Ile350=; no amino-acid change (isoleucine 350 retained).
Molecular consequence: synonymous variant.
Genome position (GRCh38, 1-based): chr1:16,997,165, A>G on the plus strand (T>C on the coding strand, the complement: ATP13A2 is on the minus strand). VCF-style: chr1-16997165-A-G. GRCh37 (hg19) VCF-style: chr1-17323660-A-G.
Other names: c.1035T>C, p.Ile345= (NM_001141973.3, NM_001141974.3).
Identifiers: ClinVar variation 3772481 (VCV003772481.13).

ClinVar aggregate classification (germline): Likely benign (1 of 4 stars; one submission).

Submission:

CeGaT Center for Human Genetics Tuebingen
Classification: Likely benign. Last evaluated: 2025-02-01. Review status: criteria provided, single submitter. Criteria: CeGaT Center For Human Genetics Tuebingen Variant Classification Criteria Version 2. Collection method: clinical testing. Allele origin: germline. Affected: yes. Observed: 1 variant allele.
Comment: ATP13A2: PM2:Supporting, BP4, BP7